The following is an entry in ClinVar:

NM_001267550.2(TTN):c.40595T>C (p.Val13532Ala)

Gene: TTN (titin; minus strand). Cytogenetic location: 2q31.2.
Variant type: single nucleotide variant.
Coding change: c.40595T>C on transcript NM_001267550.2 (MANE Select); coding-DNA position 40595, T replaced by C.
Protein change: p.Val13532Ala; replaces valine 13532 with alanine.
Molecular consequence: missense variant.
Genome position (GRCh38, 1-based): chr2:178,641,279, A>G on the plus strand (T>C on the coding strand, the complement: TTN is on the minus strand). VCF-style: chr2-178641279-A-G. GRCh37 (hg19) VCF-style: chr2-179506006-A-G.
Other names: p.V11891A:GTA>GCA; c.35672T>C, p.Val11891Ala (NM_001256850.1); c.13400T>C, p.Val4467Ala (NM_003319.4); c.32891T>C, p.Val10964Ala (NM_133378.4); c.13775T>C, p.Val4592Ala (NM_133432.3); c.13976T>C, p.Val4659Ala (NM_133437.4); short protein forms V11891A, V13532A, V10964A, V4592A, V4467A, V4659A.
Identifiers: ClinVar variation 202302 (VCV000202302.7), dbSNP rs756446770, ClinGen allele CA309022.

ClinVar aggregate classification (germline): Conflicting classifications of pathogenicity. Review status: criteria provided, conflicting classifications (1 of 4 stars). 2 submissions from 2 submitters: Uncertain significance (1); Likely benign (1). Last evaluated 2016-09-29.

Allele frequency attached by ClinVar (database versions not stated): TOPMed 0.00002.
gnomAD v4.1: 12 of 1,511,732 alleles (0.00079%); highest among the groups gnomAD compares: African/African-American, 0.0072%; no homozygotes.

Submissions (2):

Eurofins Ntd Llc (ga)
Classification: Uncertain significance. Last evaluated: 2016-09-29. Review status: criteria provided, single submitter. Criteria: EGL Classification Definitions 2015. Collection method: clinical testing. Allele origin: germline. Observed: 1 variant allele, 1 heterozygote.

GeneDx
Classification: Likely benign. Last evaluated: 2012-10-26. Review status: criteria provided, single submitter. Criteria: GeneDx Variant Classification (06012015). Collection method: clinical testing. Allele origin: germline. Affected: yes.
Comment: This variant is considered likely benign or benign based on one or more of the following criteria: it is a conservative change, it occurs at a poorly conserved position in the protein, it is predicted to be benign by multiple in silico algorithms, and/or has population frequency not consistent with disease.